The following is an entry in ClinVar:

NM_001371986.1(UNC80):c.3105C>A (p.Ser1035=)

Gene: UNC80 (unc-80 subunit of NALCN channel complex; plus strand). Cytogenetic location: 2q34.
Variant type: single nucleotide variant.
Coding change: c.3105C>A on transcript NM_001371986.1 (MANE Select); coding-DNA position 3105, C replaced by A.
Protein change: p.Ser1035=; no amino-acid change (serine 1035 retained).
Molecular consequence: synonymous variant.
Genome position (GRCh38, 1-based): chr2:209,839,285, C>A. VCF-style: chr2-209839285-C-A. GRCh37 (hg19) VCF-style: chr2-210704009-C-A.
Other names: c.3105C>A (NM_032504.1); c.3105C>A, p.Ser1035= (NM_032504.2); c.3090C>A, p.Ser1030= (NM_182587.4).
Identifiers: ClinVar variation 1613538 (VCV001613538.9), dbSNP rs563718008, ClinGen allele CA2083084.

ClinVar aggregate classification (germline): Benign. Review status: criteria provided, single submitter (1 of 4 stars). 2 submissions from 2 submitters: Benign (1). 1 of the submissions does not count toward it. Last evaluated 2024-10-29.

Conditions:
UNC80-related disorder. Also called: UNC80-related condition.

Allele frequency attached by ClinVar (database versions not stated): ExAC 0.00005; gnomAD 0.00007; 1000 Genomes Project 0.00020; gnomAD exomes 0.00022; 1000 Genomes Project 30x 0.00031.
gnomAD v4.1: 52 of 1,551,560 alleles (0.0034%); highest among the groups gnomAD compares: East Asian, 0.12%; no homozygotes.

Submissions (2):

Labcorp Genetics (formerly Invitae), Labcorp
Classification: Benign. Last evaluated: 2024-10-29. Review status: criteria provided, single submitter. Criteria: Invitae Variant Classification Sherloc (09022015). Collection method: clinical testing. Allele origin: germline.

PreventionGenetics, part of Exact Sciences
Classification: Likely benign for UNC80-related condition. Last evaluated: 2024-05-22. Review status: no assertion criteria provided. Collection method: clinical testing. Allele origin: germline. Not counted in ClinVar's aggregate classification.
Comment: This variant is classified as likely benign based on ACMG/AMP sequence variant interpretation guidelines (Richards et al. 2015 PMID: 25741868, with internal and published modifications).